The following is an entry in ClinVar:

ClinVar aggregate classification (germline): Likely pathogenic. Review status: criteria provided, multiple submitters, no conflicts (2 of 4 stars). 3 submissions from 3 submitters: Likely pathogenic (3). Last evaluated 2025-07-25.

Conditions:
Achromatopsia 3 (ACHM3). Also called: ACHROMATOPSIA WITH MYOPIA; PINGELAPESE BLINDNESS; TOTAL COLORBLINDNESS WITH MYOPIA; ROD MONOCHROMACY 1; ROD MONOCHROMATISM 1. Identifiers: Orphanet 49382, MedGen C1849792, MONDO:0009875, OMIM 262300.
Achromatopsia. Also called: Rod monochromatism. Identifiers: Orphanet 49382, MedGen C0152200, MONDO:0018852, HP:0011516.

Allele frequency attached by ClinVar (database versions not stated): gnomAD exomes below 0.00001; TOPMed below 0.00001.
gnomAD v4.1: 1 of 1,613,846 alleles (0.000062%); highest among the groups gnomAD compares: East Asian, 0.0022%; no homozygotes.

Submissions (3):

Natera, Inc.
Classification: Likely pathogenic for Achromatopsia. Last evaluated: 2025-07-25. Review status: criteria provided, single submitter. Criteria: Natera Variant Classification Schema (03/2026). Collection method: clinical testing. Allele origin: germline.
Comment: The c.643+1G>A variant in CNGB3 is a canonical splice donor site variant predicted to affect pre-mRNA splicing, which may result in an abnormal transcript and altered protein product. This variant is expected to result in nonsense mediated decay, truncation, or a dysfunctional protein product. This variant is rare in the general population with a frequency below the threshold expected for the associated phenotype(s). Given the available evidence, this variant is classified as Likely Pathogenic.

Fulgent Genetics
Classification: Likely pathogenic for Achromatopsia 3. Last evaluated: 2024-06-13. Review status: criteria provided, single submitter. Criteria: ACMG Guidelines, 2015. Collection method: clinical testing. Allele origin: germline.

Labcorp Genetics (formerly Invitae), Labcorp
Classification: Likely pathogenic. Last evaluated: 2023-06-25. Review status: criteria provided, single submitter. Criteria: Invitae Variant Classification Sherloc (09022015). Collection method: clinical testing. Allele origin: germline.
Comment: In summary, the currently available evidence indicates that the variant is pathogenic, but additional data are needed to prove that conclusively. Therefore, this variant has been classified as Likely Pathogenic. Algorithms developed to predict the effect of sequence changes on RNA splicing suggest that this variant may disrupt the consensus splice site. This variant has not been reported in the literature in individuals affected with CNGB3-related conditions. This variant is present in population databases (no rsID available, gnomAD 0.006%). This sequence change affects a donor splice site in intron 5 of the CNGB3 gene. It is expected to disrupt RNA splicing. Variants that disrupt the donor or acceptor splice site typically lead to a loss of protein function (PMID: 16199547), and loss-of-function variants in CNGB3 are known to be pathogenic (PMID: 28795510).

Literature cited by the submitters: PubMed 16199547 (cited by Labcorp Genetics (formerly Invitae), Labcorp); PubMed 28795510 (cited by Labcorp Genetics (formerly Invitae), Labcorp).

NM_019098.5(CNGB3):c.643+1G>A

Gene: CNGB3 (cyclic nucleotide gated channel subunit beta 3; minus strand). Cytogenetic location: 8q21.3.
Variant type: single nucleotide variant.
Coding change: c.643+1G>A on transcript NM_019098.5 (MANE Select); the canonical splice donor site of the intron after coding-DNA position 643, G replaced by A.
Molecular consequence: splice donor variant.
Genome position (GRCh38, 1-based): chr8:86,668,018, C>T on the plus strand (G>A on the coding strand, the complement: CNGB3 is on the minus strand). VCF-style: chr8-86668018-C-T. GRCh37 (hg19) VCF-style: chr8-87680246-C-T.
Other names: c.643+1G>A (NM_019098.4).
Identifiers: ClinVar variation 2874895 (VCV002874895.6), dbSNP rs1432404353, ClinGen allele CA371449690.